The following is an entry in ClinVar:

ClinVar aggregate classification (germline): Uncertain significance (1 of 4 stars; one submission).

Conditions:
Hereditary cancer-predisposing syndrome. Also called: Neoplastic Syndromes, Hereditary; Tumor predisposition; Hereditary Cancer Syndrome; Hereditary neoplastic syndrome. Identifiers: Orphanet 140162, MedGen C0027672, MeSH D009386, MONDO:0015356.

Submission:

Ambry Genetics
Classification: Uncertain significance for Hereditary cancer-predisposing syndrome. Last evaluated: 2025-10-01. Review status: criteria provided, single submitter. Criteria: Ambry Variant Classification Scheme 2023. Collection method: clinical testing. Allele origin: germline.
Comment: The p.D714G variant (also known as c.2141A>G), located in coding exon 14 of the PDGFRA gene, results from an A to G substitution at nucleotide position 2141. The aspartic acid at codon 714 is replaced by glycine, an amino acid with similar properties. This amino acid position is conserved. In addition, this alteration is predicted to be deleterious by in silico analysis. Since supporting evidence is limited at this time, the clinical significance of this alteration remains unclear.

NM_006206.6(PDGFRA):c.2141A>G (p.Asp714Gly)

Gene: PDGFRA (platelet derived growth factor receptor alpha; plus strand). Cytogenetic location: 4q12.
Variant type: single nucleotide variant.
Coding change: c.2141A>G on transcript NM_006206.6 (MANE Select); coding-DNA position 2141, A replaced by G.
Protein change: p.Asp714Gly; replaces aspartic acid 714 with glycine.
Molecular consequence: missense variant.
Genome position (GRCh38, 1-based): chr4:54,278,500, A>G. VCF-style: chr4-54278500-A-G. GRCh37 (hg19) VCF-style: chr4-55144667-A-G.
Other names: c.2141A>G, p.Asp714Gly (NM_001347827.2, NM_001347829.2); c.2216A>G, p.Asp739Gly (NM_001347828.2); c.2180A>G, p.Asp727Gly (NM_001347830.2); short protein forms D714G, D739G, D727G.
Identifiers: ClinVar variation 1786592 (VCV001786592.3), dbSNP rs1560483897, ClinGen allele CA356894138.